The following is an entry in ClinVar:

NM_003172.4(SURF1):c.640C>T (p.Gln214Ter)

Gene: SURF1 (SURF1 cytochrome c oxidase assembly factor; minus strand). Cytogenetic location: 9q34.2.
Variant type: single nucleotide variant.
Coding change: c.640C>T on transcript NM_003172.4 (MANE Select); coding-DNA position 640, C replaced by T.
Protein change: p.Gln214Ter; replaces glutamine 214 with a stop codon.
Molecular consequence: nonsense.
Genome position (GRCh38, 1-based): chr9:133,352,557, G>A on the plus strand (C>T on the coding strand, the complement: SURF1 is on the minus strand). VCF-style: chr9-133352557-G-A. GRCh37 (hg19) VCF-style: chr9-136219412-G-A.
Other names: c.313C>T, p.Gln105Ter (NM_001280787.1); short protein forms Q214*, Q105*.
Identifiers: ClinVar variation 2735363 (VCV002735363.4), dbSNP rs2119081117, ClinGen allele CA375693835.

ClinVar aggregate classification (germline): Pathogenic. Review status: criteria provided, multiple submitters, no conflicts (2 of 4 stars). 2 submissions from 2 submitters: Pathogenic (2). Last evaluated 2023-10-03.

Conditions:
Leigh syndrome (NULS). Also called: Leigh Disease; Subacute necrotizing encephalopathy; Necrotizing encephalopathy infantile subacute of Leigh; Leigh Syndrome (mtDNA deletion); LEIGH SYNDROME, NUCLEAR; Leigh's necrotizing encephalopathy. Identifiers: Orphanet 506, MedGen C2931891, MONDO:0009723, OMIM 256000.

Allele frequency attached by ClinVar (database versions not stated): gnomAD exomes below 0.00001.

Submissions (2):

Revvity Omics, Revvity
Classification: Pathogenic. Last evaluated: 2023-10-03. Review status: criteria provided, single submitter. Criteria: ACMG Guidelines, 2015. Collection method: clinical testing. Allele origin: germline.

Labcorp Genetics (formerly Invitae), Labcorp
Classification: Pathogenic for Leigh syndrome. Last evaluated: 2023-04-06. Review status: criteria provided, single submitter. Criteria: Invitae Variant Classification Sherloc (09022015). Collection method: clinical testing. Allele origin: germline.
Comment: For these reasons, this variant has been classified as Pathogenic. Algorithms developed to predict the effect of sequence changes on RNA splicing suggest that this variant may disrupt the consensus splice site. This premature translational stop signal has been observed in individual(s) with Leigh syndrome (PMID: 11955926). This variant is not present in population databases (gnomAD no frequency). This sequence change creates a premature translational stop signal (p.Gln214*) in the SURF1 gene. It is expected to result in an absent or disrupted protein product. Loss-of-function variants in SURF1 are known to be pathogenic (PMID: 10443880, 22488715, 24027061).

Literature cited by the submitters: PubMed 11955926 (cited by Labcorp Genetics (formerly Invitae), Labcorp); PubMed 10443880 (cited by Labcorp Genetics (formerly Invitae), Labcorp); PubMed 22488715 (cited by Labcorp Genetics (formerly Invitae), Labcorp); PubMed 24027061 (cited by Labcorp Genetics (formerly Invitae), Labcorp).